The following is an entry in ClinVar:

ClinVar aggregate classification (germline): Benign/Likely benign. Review status: criteria provided, multiple submitters, no conflicts (2 of 4 stars). 4 submissions from 4 submitters: Benign (1); Likely benign (3). Last evaluated 2025-11-15.

Conditions:
Familial thoracic aortic aneurysm and aortic dissection (TAAD). Also called: Thoracic aortic aneurysms and dissections. Identifiers: Orphanet 91387, MedGen C4707243, MONDO:0019625.
Ehlers-Danlos syndrome, classic type, 1 (EDSCL1). Also called: EDS I; EHLERS-DANLOS SYNDROME, GRAVIS TYPE; Ehlers-Danlos syndrome, type 1; Ehlers-Danlos Syndrome, Classic Type, COL5A1-Related; EHLERS-DANLOS SYNDROME, SEVERE CLASSIC TYPE. Identifiers: MedGen C0268335, MONDO:0019567, OMIM 130000.

Allele frequency attached by ClinVar (database versions not stated): gnomAD exomes 0.00004; TOPMed 0.00004; gnomAD 0.00005 and 0.00006; ExAC 0.00007; ESP Exome Variant Server 0.00015.
gnomAD v4.1: 58 of 1,613,698 alleles (0.0036%); highest among the groups gnomAD compares: African/African-American, 0.0053%; no homozygotes.

Submissions (4):

Labcorp Genetics (formerly Invitae), Labcorp
Classification: Benign for Ehlers-Danlos syndrome, classic type, 1. Last evaluated: 2025-11-15. Review status: criteria provided, single submitter. Criteria: Invitae Variant Classification Sherloc (09022015). Collection method: clinical testing. Allele origin: germline.

Mayo Clinic Laboratories, Mayo Clinic
Classification: Likely benign. Last evaluated: 2024-12-26. Review status: criteria provided, single submitter. Criteria: ACMG Guidelines, 2015. Collection method: clinical testing. Allele origin: germline. Observed: 1 variant allele.
Comment: BS1, BP4, BP7

Blueprint Genetics
Classification: Likely benign. Last evaluated: 2024-05-09. Review status: criteria provided, single submitter. Criteria: ACMG Guidelines, 2015. Collection method: clinical testing. Allele origin: germline.

Ambry Genetics
Classification: Likely benign for Familial thoracic aortic aneurysm and aortic dissection. Last evaluated: 2017-04-19. Review status: criteria provided, single submitter. Criteria: Ambry Variant Classification Scheme 2023. Collection method: clinical testing. Allele origin: germline.

NM_000093.5(COL5A1):c.936G>A (p.Pro312=)

Gene: COL5A1 (collagen type V alpha 1 chain; plus strand). Cytogenetic location: 9q34.3.
Variant type: single nucleotide variant.
Coding change: c.936G>A on transcript NM_000093.5 (MANE Select); coding-DNA position 936, G replaced by A.
Protein change: p.Pro312=; no amino-acid change (proline 312 retained).
Molecular consequence: synonymous variant.
Genome position (GRCh38, 1-based): chr9:134,730,247, G>A. VCF-style: chr9-134730247-G-A. GRCh37 (hg19) VCF-style: chr9-137622093-G-A.
Other names: p.Pro312=; c.936G>A, p.Pro312= (NM_001278074.1).
Identifiers: ClinVar variation 519649 (VCV000519649.12), dbSNP rs150364815, ClinGen allele CA5318604.
Genomic context (GRCh38, chr9:134,730,247, plus strand): 5'-ACTGCCGGCCTCCGCCCTGACTCCAGCTGTCTCTGTCCTTGGCTCCCAGGAGCTGACCCC[G>A]ACCCCCACGGAAGCTGCTCCCATGCCTGAAACCAGTGAAGGGGCTGGGAAGGAAGAGGAC-3'
Protein context (NP_000084.3, residues 302-322): ETTEVPEELT[Pro312=]TPTEAAPMPE